The following is an entry in ClinVar:

NM_002691.4(POLD1):c.1070T>G (p.Leu357Arg)

Gene: POLD1 (DNA polymerase delta 1, catalytic subunit; plus strand). Cytogenetic location: 19q13.33.
Variant type: single nucleotide variant.
Coding change: c.1070T>G on transcript NM_002691.4 (MANE Select); coding-DNA position 1070, T replaced by G.
Protein change: p.Leu357Arg; replaces leucine 357 with arginine.
Molecular consequence: missense variant. On other transcripts: non-coding transcript variant (1).
Genome position (GRCh38, 1-based): chr19:50,403,152, T>G. VCF-style: chr19-50403152-T-G. GRCh37 (hg19) VCF-style: chr19-50906409-T-G.
Other names: c.1070T>G, p.Leu357Arg (NM_001256849.1, NM_001308632.1); short protein forms L357R.
Identifiers: ClinVar variation 408004 (VCV000408004.23), dbSNP rs143340270, ClinGen allele CA16616121.

ClinVar aggregate classification (germline): Uncertain significance. Review status: criteria provided, multiple submitters, no conflicts (2 of 4 stars). 6 submissions from 6 submitters: Uncertain significance (6). Last evaluated 2026-01-09.

Conditions:
Familial colorectal cancer type X. Identifiers: Orphanet 440437, MedGen C3896578, MONDO:0018604.
Hereditary cancer-predisposing syndrome. Also called: Neoplastic Syndromes, Hereditary; Hereditary neoplastic syndrome; Hereditary Cancer Syndrome; Tumor predisposition. Identifiers: Orphanet 140162, MedGen C0027672, MeSH D009386, MONDO:0015356.
POLD1-related polyposis and colorectal cancer syndrome (CRCS10). Also called: Colorectal cancer, susceptibility to, 10; Colorectal cancer 10; COLORECTAL CANCER, SUSCEPTIBILITY TO, ON CHROMOSOME 19q. Identifiers: Orphanet 220460, MedGen C2675481, MONDO:0012953, OMIM 612591.

Allele frequency attached by ClinVar (database versions not stated): gnomAD exomes 0.00001; gnomAD 0.00002; TOPMed 0.00002; ESP Exome Variant Server 0.00008.
gnomAD v4.1: 11 of 1,560,566 alleles (0.0007%); highest among the groups gnomAD compares: Non-Finnish European, 0.00095%; no homozygotes.

Submissions (6):

Labcorp Genetics (formerly Invitae), Labcorp
Classification: Uncertain significance for POLD1-related polyposis and colorectal cancer syndrome. Last evaluated: 2026-01-09. Review status: criteria provided, single submitter. Criteria: Invitae Variant Classification Sherloc (09022015). Collection method: clinical testing. Allele origin: germline.
Comment: This sequence change replaces leucine, which is neutral and non-polar, with arginine, which is basic and polar, at codon 357 of the POLD1 protein (p.Leu357Arg). This variant is present in population databases (rs143340270, gnomAD 0.003%). This missense change has been observed in individual(s) with colorectal cancer (PMID: 29120461). ClinVar contains an entry for this variant (Variation ID: 408004). Invitae Evidence Modeling of protein sequence and biophysical properties (such as structural, functional, and spatial information, amino acid conservation, physicochemical variation, residue mobility, and thermodynamic stability) indicates that this missense variant is expected to disrupt POLD1 protein function with a positive predictive value of 80%. In summary, the available evidence is currently insufficient to determine the role of this variant in disease. Therefore, it has been classified as a Variant of Uncertain Significance.

Ambry Genetics
Classification: Uncertain significance for Hereditary cancer-predisposing syndrome. Last evaluated: 2025-08-09. Review status: criteria provided, single submitter. Criteria: Ambry Variant Classification Scheme 2023. Collection method: clinical testing. Allele origin: germline.
Comment: The p.L357R variant (also known as c.1070T>G), located in coding exon 8 of the POLD1 gene, results from a T to G substitution at nucleotide position 1070. The leucine at codon 357 is replaced by arginine, an amino acid with dissimilar properties. This amino acid position is highly conserved in available vertebrate species. In addition, the in silico prediction for this alteration is inconclusive. Since supporting evidence is limited at this time, the clinical significance of this alteration remains unclear.

Department of Pathology and Laboratory Medicine, Sinai Health System
Classification: Uncertain significance for Familial colorectal cancer type X. Last evaluated: 2024-07-02. Review status: criteria provided, single submitter. Criteria: ACMG Guidelines, 2015. Collection method: clinical testing. Allele origin: germline. Affected: yes.

Baylor Genetics
Classification: Uncertain significance for POLD1-related polyposis and colorectal cancer syndrome. Last evaluated: 2023-09-21. Review status: criteria provided, single submitter. Criteria: ACMG Guidelines, 2015. Collection method: clinical testing. Allele origin: unknown.

GeneDx
Classification: Uncertain significance. Last evaluated: 2023-08-17. Review status: criteria provided, single submitter. Criteria: GeneDx Variant Classification Process June 2021. Collection method: clinical testing. Allele origin: germline. Affected: yes.
Comment: Not observed at significant frequency in large population cohorts (gnomAD); In silico analysis supports that this missense variant has a deleterious effect on protein structure/function; Observed in an individual with colorectal cancer in published literature (Buchanan et al., 2017); This variant is associated with the following publications: (PMID: 35620275, 20951805, 29120461)

Quest Diagnostics Nichols Institute San Juan Capistrano
Classification: Uncertain significance. Last evaluated: 2018-10-08. Review status: criteria provided, single submitter. Criteria: Quest Diagnostics criteria. Collection method: clinical testing. Allele origin: germline.

Literature cited by the submitters: PubMed 29120461 (cited by Labcorp Genetics (formerly Invitae), Labcorp and Department of Pathology and Laboratory Medicine, Sinai Health System).